The following is an entry in ClinVar:

NM_001083962.2(TCF4):c.1753A>G (p.Asn585Asp)

Gene: TCF4 (transcription factor 4; minus strand). Cytogenetic location: 18q21.2.
Variant type: single nucleotide variant.
Coding change: c.1753A>G on transcript NM_001083962.2 (MANE Select); coding-DNA position 1753, A replaced by G.
Protein change: p.Asn585Asp; replaces asparagine 585 with aspartic acid.
Molecular consequence: missense variant.
Genome position (GRCh38, 1-based): chr18:55,228,973, T>C on the plus strand (A>G on the coding strand, the complement: TCF4 is on the minus strand). VCF-style: chr18-55228973-T-C. GRCh37 (hg19) VCF-style: chr18-52896204-T-C.
Other names: c.2059A>G, p.Asn687Asp (NM_001243226.3); c.1681A>G, p.Asn561Asp (NM_001243227.2, NM_001348217.1, NM_001348218.2 and 1 more transcripts); c.1771A>G, p.Asn591Asp (NM_001243228.2); c.1732A>G, p.Asn578Asp (NM_001243230.2); c.1615A>G, p.Asn539Asp (NM_001243231.2); c.1540A>G, p.Asn514Asp (NM_001243232.1); c.1351A>G, p.Asn451Asp (NM_001243233.2, NM_001348212.2); c.1273A>G, p.Asn425Asp (NM_001243234.2, NM_001348216.2); and 14 more; short protein forms N369D, N420D, N421D, N425D, N451D, N455D, N510D, N514D.
Identifiers: ClinVar variation 3338824 (VCV003338824.1).

ClinVar aggregate classification (germline): Pathogenic (1 of 4 stars; one submission).

Submission:

GeneDx
Classification: Pathogenic. Last evaluated: 2023-10-13. Review status: criteria provided, single submitter. Criteria: GeneDx Variant Classification Process June 2021. Collection method: clinical testing. Allele origin: germline. Affected: yes.
Comment: Reported in an individual with Pitt-Hopkins syndrome in published literature (Marangi et al., 2012); Published functional studies demonstrate the N585D variant destroys DNA binding and drastically decreases reporter activity (Sirp et al., 2021); In silico analysis supports that this missense variant has a deleterious effect on protein structure/function; Not observed at significant frequency in large population cohorts (gnomAD); This variant is associated with the following publications: (PMID: 22678594, 34748727)